The following is an entry in ClinVar:

ClinVar aggregate classification (germline): Pathogenic/Likely pathogenic. Review status: criteria provided, multiple submitters, no conflicts (2 of 4 stars). 3 submissions from 3 submitters: Pathogenic (2); Likely pathogenic (1). Last evaluated 2025-09-15.

Conditions:
L-2-hydroxyglutaric aciduria (L2HGA). Identifiers: Orphanet 79314, MedGen C1855995, MONDO:0009370, OMIM 236792, HP:0040144.

Submissions (3):

Institute of Medical Genetics and Applied Genomics, University Hospital Tübingen
Classification: Pathogenic for L-2-hydroxyglutaric aciduria. Last evaluated: 2025-09-15. Review status: criteria provided, single submitter. Criteria: ACMG Guidelines, 2015. Collection method: clinical testing. Allele origin: germline. Inheritance: Autosomal recessive inheritance. Affected: yes.

CeGaT Center for Human Genetics Tuebingen
Classification: Pathogenic. Last evaluated: 2024-10-01. Review status: criteria provided, single submitter. Criteria: CeGaT Center For Human Genetics Tuebingen Variant Classification Criteria Version 2. Collection method: clinical testing. Allele origin: germline. Affected: yes. Observed: 2 variant alleles.
Comment: L2HGDH: PP1:Strong, PM2, PM3, PM5:Supporting, PP4

Department of Human Genetics, Hannover Medical School
Classification: Likely pathogenic for L-2-hydroxyglutaric aciduria. Last evaluated: 2024-06-06. Review status: criteria provided, single submitter. Criteria: ACMG Guidelines, 2015. Collection method: clinical testing. Allele origin: germline. Affected: yes.

NM_024884.3(L2HGDH):c.528G>T (p.Glu176Asp)

Gene: L2HGDH (L-2-hydroxyglutarate dehydrogenase; minus strand). Cytogenetic location: 14q21.3.
Variant type: single nucleotide variant.
Coding change: c.528G>T on transcript NM_024884.3 (MANE Select); coding-DNA position 528, G replaced by T.
Protein change: p.Glu176Asp; replaces glutamic acid 176 with aspartic acid.
Molecular consequence: missense variant.
Genome position (GRCh38, 1-based): chr14:50,294,127, C>A on the plus strand (G>T on the coding strand, the complement: L2HGDH is on the minus strand). VCF-style: chr14-50294127-C-A. GRCh37 (hg19) VCF-style: chr14-50760845-C-A.
Other names: short protein forms E176D.
Identifiers: ClinVar variation 870857 (VCV000870857.42), dbSNP rs2029895356, ClinGen allele CA389656851.